The following is an entry in ClinVar:

ClinVar aggregate classification (germline): Conflicting classifications of pathogenicity. Review status: criteria provided, conflicting classifications (1 of 4 stars). 4 submissions from 4 submitters: Pathogenic (2); Likely pathogenic (1); Uncertain significance (1). Last evaluated 2025-12-31.

Conditions:
Loeys-Dietz syndrome (LDS). Identifiers: Orphanet 60030, MedGen C2697932, MONDO:0018954.
Familial thoracic aortic aneurysm and aortic dissection (TAAD). Also called: Thoracic aortic aneurysms and dissections. Identifiers: Orphanet 91387, MedGen C4707243, MONDO:0019625.
Multiple self-healing squamous epithelioma (MSSE). Also called: MULTIPLE SELF-HEALING SQUAMOUS EPITHELIOMA, SUSCEPTIBILITY TO. Identifiers: Orphanet 65748, MedGen C0546476, MONDO:0007566, OMIM 132800.

Allele frequency attached by ClinVar (database versions not stated): gnomAD exomes below 0.00001.

Submissions (4):

Labcorp Genetics (formerly Invitae), Labcorp
Classification: Pathogenic for Familial thoracic aortic aneurysm and aortic dissection. Last evaluated: 2025-12-31. Review status: criteria provided, single submitter. Criteria: Invitae Variant Classification Sherloc (09022015). Collection method: clinical testing. Allele origin: germline.
Comment: This sequence change creates a premature translational stop signal (p.Arg157*) in the TGFBR1 gene. It is expected to result in an absent or disrupted protein product. Loss-of-function variants in TGFBR1 are known to be pathogenic (PMID: 21358634). This variant is not present in population databases (gnomAD no frequency). This variant has not been reported in the literature in individuals affected with TGFBR1-related conditions. ClinVar contains an entry for this variant (Variation ID: 408560). Algorithms developed to predict the effect of sequence changes on RNA splicing suggest that this variant may disrupt the consensus splice site. For these reasons, this variant has been classified as Pathogenic.

All of Us Research Program, National Institutes of Health
Classification: Uncertain significance for Loeys-Dietz syndrome. Last evaluated: 2024-08-30. Review status: criteria provided, single submitter. Criteria: ACMG Guidelines, 2015. Collection method: clinical testing. Allele origin: germline. Inheritance: Autosomal dominant inheritance. Observed: 1 variant allele, 1 heterozygote.
Comment: This variant changes 1 nucleotide in exon 3 of the TGFBR1 gene, creating a premature translation stop signal. This variant is expected to result in an absent or non-functional protein product. To our knowledge, this variant has not been reported in individuals affected with TGFBR1-related disorders in the literature. This variant has not been identified in the general population by the Genome Aggregation Database (gnomAD). Clinical relevance of loss-of-function TGFBR1 truncation variants in autosomal dominant cardiovascular disorders is not clearly established. The available evidence is insufficient to determine the role of this variant in disease conclusively. Therefore, this variant is classified as a Variant of Uncertain Significance.

This study involves interpretation of variants in research participants for the purpose of population health screening. Participant phenotype was not available at the time of variant classification. Additional details can be found in publication PMID: 35346344, PMCID: PMC8962531

Molecular Genetics, Royal Melbourne Hospital
Classification: Likely pathogenic for Familial keratoacanthoma. Last evaluated: 2024-08-05. Review status: criteria provided, single submitter. Criteria: ACMG Guidelines, 2015. Collection method: clinical testing. Allele origin: germline. Inheritance: Autosomal dominant inheritance.
Comment: This sequence change in TGFBR1 is a nonsense variant predicted to cause a premature stop codon, p.(Arg157*), in biologically relevant exon 3/9 leading to nonsense-mediated decay in a gene in which loss-of-function is an established disease mechanism (PMID: 21358634). The highest population minor allele frequency in the population database gnomAD v4.1 is 0.0002% (1/1,180,004 alleles) in the European (non-finnish) population. To our knowledge, this variant has not been previously reported in the relevant scientific literature. Based on the classification scheme RMH Modified ACMG/AMP Guidelines v1.7.0, this variant is classified as LIKELY PATHOGENIC. Following criteria are met: PVS1, PM2_Supporting

Victorian Clinical Genetics Services, Murdoch Childrens Research Institute
Classification: Pathogenic for Multiple self-healing squamous epithelioma. Last evaluated: 2021-05-06. Review status: criteria provided, single submitter. Criteria: ACMG Guidelines, 2015. Collection method: clinical testing. Allele origin: germline. Inheritance: Autosomal dominant inheritance. Affected: no.
Comment: Based on the classification scheme VCGS_Germline_v1.3.4, this variant is classified as Pathogenic. Following criteria are met: 0102 - Loss of function is a known mechanism of disease in this gene and is associated with multiple self-healing squamous epithelioma (MIM#132800) (PMID: 21358634). Only missense variants with a suspected dominant negative mechanism of disease have been associated with Loeys–Dietz syndrome (MIM#609192) (PMID: 29706644). (I) 0107 - This gene is associated with autosomal dominant disease. (I) 0201 - Variant is predicted to cause nonsense-mediated decay (NMD) and loss of protein (premature termination codon is located at least 54 nucleotides upstream of the final exon-exon junction). (SP) 0251 - This variant is heterozygous. (I) 0301 - Variant is absent from gnomAD (both v2 and v3). (SP) 0702 - Other NMD-predicted variants comparable to the one identified in this case have strong previous evidence for pathogenicity. While these variants have been reported with conflicting classifications (ClinVar), they are consistently reported as pathogenic for multiple self-healing squamous epithelioma. These individuals do not display features of Loeys–Dietz syndrome, which is exclusively caused by missense variants (PMID: 29706644, PMID: 33256177). (SP) 0808 - Previous reports of pathogenicity for this variant are conflicting. This variant has been reported as pathogenic (ClinVar) and as a VUS (LOVD). (I) 0905 - No published segregation evidence has been identified for this variant. (I) 1007 - No published functional evidence has been identified for this variant. (I) 1208 - Inheritance information for this variant is not currently available in this individual. (I) Legend: (SP) - Supporting pathogenic, (I) - Information, (SB) - Supporting benign

Literature cited by the submitters: PubMed 21358634 (cited by 3 submitters); PubMed 29706644 (cited by Victorian Clinical Genetics Services, Murdoch Childrens Research Institute); PubMed 33256177 (cited by Victorian Clinical Genetics Services, Murdoch Childrens Research Institute).

NM_004612.4(TGFBR1):c.469C>T (p.Arg157Ter)

Gene: TGFBR1 (transforming growth factor beta receptor 1; plus strand). Cytogenetic location: 9q22.33.
Variant type: single nucleotide variant.
Coding change: c.469C>T on transcript NM_004612.4 (MANE Select); coding-DNA position 469, C replaced by T.
Protein change: p.Arg157Ter; replaces arginine 157 with a stop codon.
Molecular consequence: nonsense. On other transcripts: intron variant (1).
Genome position (GRCh38, 1-based): chr9:99,132,634, C>T. VCF-style: chr9-99132634-C-T. GRCh37 (hg19) VCF-style: chr9-101894916-C-T.
Other names: c.481C>T, p.Arg161Ter (NM_001306210.2); c.343+3534C>T (NM_001130916.3); short protein forms R157*, R161*.
Identifiers: ClinVar variation 408560 (VCV000408560.12), dbSNP rs1060502040, ClinGen allele CA16612807.